The following is an entry in ClinVar:

ClinVar aggregate classification (germline): Conflicting classifications of pathogenicity. Review status: criteria provided, conflicting classifications (1 of 4 stars). 3 submissions from 3 submitters: Likely pathogenic (1); Uncertain significance (2). Last evaluated 2026-08-21.

Conditions:
Deficiency of butyryl-CoA dehydrogenase (ACADSD). Also called: SCAD Deficiency; ACADS DEFICIENCY; SCAD DEFICIENCY, MILD; ACYL-CoA DEHYDROGENASE, SHORT-CHAIN, DEFICIENCY OF; Short-Chain Acyl-CoA Dehydrogenase Deficiency; SCADH DEFICIENCY. Identifiers: Orphanet 26792, MedGen C0342783, MONDO:0008722, OMIM 201470. Disease mechanism: May be benign.
ACADS-related disorder. Also called: ACADS-related condition.

Submissions (3):

PreventionGenetics, part of Exact Sciences
Classification: Uncertain significance for ACADS-related condition. Last evaluated: 2026-08-21. Review status: criteria provided, single submitter. Criteria: ACMG Guidelines, 2015. Collection method: clinical testing. Allele origin: germline.
Comment: The ACADS c.391G>C variant is predicted to result in the amino acid substitution p.Gly131Arg. This variant has been reported along with a second ACADS variant in at least one individual with short-chain acyl-CoA dehydrogenase deficiency (SCADD) (Table S5, Adhikari et al. 2020. PubMed ID: 32778825; Table S1, Adhikari et al. 2020. PubMed ID: 32802992). This variant has not been reported in a large population database (gnomAD), indicating this variant is rare. This variant is predicted to be damaging to the encoded protein (Ioannidis et al. 2016. PubMed ID: 27666373) and has interpretations ranging from uncertain to likely pathogenic in ClinVar (Variation ID: 1006761). Although we suspect that this variant may be pathogenic, at this time, the clinical significance of this variant is uncertain due to the absence of conclusive functional and genetic evidence.

Women's Health and Genetics/Laboratory Corporation of America, LabCorp
Classification: Uncertain significance. Last evaluated: 2025-09-02. Review status: criteria provided, single submitter. Criteria: LabCorp Variant Classification Summary - May 2015. Collection method: clinical testing. Allele origin: germline.
Comment: Variant summary: ACADS c.391G>C (p.Gly131Arg) results in a non-conservative amino acid change in the encoded protein sequence. Algorithms developed to predict the effect of missense changes on protein structure and function all suggest that this variant is likely to be disruptive. The variant was absent in 251212 control chromosomes. c.391G>C has been observed in individual(s) affected with short-chain acyl-CoA dehydrogenase deficiency (Adhikari_2020, Adhikari_2020, internal data). These data indicate that the variant may be associated with disease. To our knowledge, no experimental evidence demonstrating an impact on protein function has been reported. The following publications have been ascertained in the context of this evaluation (PMID: 32802992, 32778825). ClinVar contains an entry for this variant (Variation ID: 1006761). Based on the evidence outlined above, the variant was classified as VUS-possibly pathogenic.

Labcorp Genetics (formerly Invitae), Labcorp
Classification: Likely pathogenic for Deficiency of butyryl-CoA dehydrogenase. Last evaluated: 2023-05-08. Review status: criteria provided, single submitter. Criteria: Invitae Variant Classification Sherloc (09022015). Collection method: clinical testing. Allele origin: germline.
Comment: In summary, the currently available evidence indicates that the variant is pathogenic, but additional data are needed to prove that conclusively. Therefore, this variant has been classified as Likely Pathogenic. Advanced modeling of protein sequence and biophysical properties (such as structural, functional, and spatial information, amino acid conservation, physicochemical variation, residue mobility, and thermodynamic stability) performed at Invitae indicates that this missense variant is expected to disrupt ACADS protein function. ClinVar contains an entry for this variant (Variation ID: 1006761). This missense change has been observed in individuals with clinical features of short chain acyl-CoA dehydrogenase (SCAD) deficiency (Invitae). This variant is not present in population databases (gnomAD no frequency). This sequence change replaces glycine, which is neutral and non-polar, with arginine, which is basic and polar, at codon 131 of the ACADS protein (p.Gly131Arg).

Literature cited by the submitters: PubMed 32778825 (cited by Women's Health and Genetics/Laboratory Corporation of America, LabCorp); PubMed 32802992 (cited by Women's Health and Genetics/Laboratory Corporation of America, LabCorp).

NM_000017.4(ACADS):c.391G>C (p.Gly131Arg)

Gene: ACADS (acyl-CoA dehydrogenase short chain; plus strand). Cytogenetic location: 12q24.31.
Variant type: single nucleotide variant.
Coding change: c.391G>C on transcript NM_000017.4 (MANE Select); coding-DNA position 391, G replaced by C.
Protein change: p.Gly131Arg; replaces glycine 131 with arginine.
Molecular consequence: missense variant.
Genome position (GRCh38, 1-based): chr12:120,737,386, G>C. VCF-style: chr12-120737386-G-C. GRCh37 (hg19) VCF-style: chr12-121175189-G-C.
Other names: c.391G>C, p.Gly131Arg (NM_001302554.2); c.391G>C (NM_000017.3); short protein forms G131R.
Identifiers: ClinVar variation 1006761 (VCV001006761.8), dbSNP rs1883486863, ClinGen allele CA386614305.